The following is an entry in ClinVar:

NM_000548.5(TSC2):c.599+3A>G

Gene: TSC2 (TSC complex subunit 2; plus strand). Cytogenetic location: 16p13.3.
Variant type: single nucleotide variant.
Coding change: c.599+3A>G on transcript NM_000548.5 (MANE Select); 3 bases into the intron after coding-DNA position 599, A replaced by G.
Molecular consequence: intron variant.
Genome position (GRCh38, 1-based): chr16:2,055,522, A>G. VCF-style: chr16-2055522-A-G. GRCh37 (hg19) VCF-style: chr16-2105523-A-G.
Other names: c.599+3A>G (NM_001114382.3, NM_021055.3, NM_001370405.1 and 3 more transcripts); c.488+3A>G (NM_001318827.2); c.-1-674A>G (NM_001318831.2); c.452+3A>G (NM_001318829.2); c.632+3A>G (NM_001318832.2).
Identifiers: ClinVar variation 64873 (VCV000064873.26), dbSNP rs397514899, ClinGen allele CA022636.

ClinVar aggregate classification (germline): Conflicting classifications of pathogenicity. Review status: criteria provided, conflicting classifications (1 of 4 stars). 8 submissions from 8 submitters: Uncertain significance (3); Likely benign (2). 3 of the submissions do not count toward it. Last evaluated 2025-07-21.

Conditions:
Tuberous sclerosis 2 (TSC2). Identifiers: Orphanet 805, MedGen C1860707, MONDO:0013199, OMIM 613254.
Hereditary cancer-predisposing syndrome. Also called: Tumor predisposition; Hereditary Cancer Syndrome; Neoplastic Syndromes, Hereditary; Hereditary neoplastic syndrome. Identifiers: Orphanet 140162, MedGen C0027672, MeSH D009386, MONDO:0015356.
Tuberous sclerosis syndrome (TSC). Also called: Tuberous Sclerosis Complex; Tuberous sclerosis. Identifiers: Orphanet 805, MedGen C0041341, MONDO:0001734.
Isolated focal cortical dysplasia type II (FCORD2). Also called: CORTICAL DYSPLASIA OF TAYLOR; Focal cortical dysplasia type II. Identifiers: Orphanet 268994, MedGen C1846385, MONDO:0011818, OMIM 607341, HP:0032051.

Allele frequency attached by ClinVar (database versions not stated): TOPMed below 0.00001; gnomAD exomes 0.00001.
gnomAD v4.1: 9 of 1,612,736 alleles (0.00056%); highest among the groups gnomAD compares: Non-Finnish European, 0.00076%; no homozygotes.

Submissions (8):

Ambry Genetics
Classification: Uncertain significance for Hereditary cancer-predisposing syndrome. Last evaluated: 2025-07-21. Review status: criteria provided, single submitter. Criteria: Ambry Variant Classification Scheme 2023. Collection method: clinical testing. Allele origin: germline.
Comment: The c.599+3A>G intronic variant results from an A to G substitution 3 nucleotides after coding exon 5 in the TSC2 gene. This nucleotide position is highly conserved in available vertebrate species. In silico splice site analysis predicts that this alteration will weaken the native splice donor site; however, direct evidence is insufficient at this time (Ambry internal data). Since supporting evidence is limited at this time, the clinical significance of this alteration remains unclear.

Labcorp Genetics (formerly Invitae), Labcorp
Classification: Uncertain significance for Tuberous sclerosis 2. Last evaluated: 2023-11-17. Review status: criteria provided, single submitter. Criteria: Invitae Variant Classification Sherloc (09022015). Collection method: clinical testing. Allele origin: germline.
Comment: This sequence change falls in intron 6 of the TSC2 gene. It does not directly change the encoded amino acid sequence of the TSC2 protein. It affects a nucleotide within the consensus splice site. This variant is not present in population databases (gnomAD no frequency). This variant has been observed in individual(s) with clinical features of TSC2-related conditions (PMID: 21520333). ClinVar contains an entry for this variant (Variation ID: 64873). Variants that disrupt the consensus splice site are a relatively common cause of aberrant splicing (PMID: 17576681, 9536098). Algorithms developed to predict the effect of sequence changes on RNA splicing suggest that this variant may disrupt the consensus splice site. In summary, the available evidence is currently insufficient to determine the role of this variant in disease. Therefore, it has been classified as a Variant of Uncertain Significance.

Baylor Genetics
Classification: Uncertain significance for Isolated focal cortical dysplasia type II. Last evaluated: 2023-06-14. Review status: criteria provided, single submitter. Criteria: ACMG Guidelines, 2015. Collection method: clinical testing. Allele origin: unknown.

Genome-Nilou Lab
Classification: Likely benign for Tuberous sclerosis 2. Last evaluated: 2021-11-07. Review status: criteria provided, single submitter. Criteria: ACMG Guidelines, 2015. Collection method: clinical testing. Allele origin: germline. Affected: no.

GeneDx
Classification: Likely benign. Last evaluated: 2018-08-10. Review status: criteria provided, single submitter. Criteria: GeneDx Variant Classification Process June 2021. Collection method: clinical testing. Allele origin: germline. Affected: yes.
Comment: This variant is associated with the following publications: (PMID: 21520333, 27861786)

Clinical Genetics DNA and cytogenetics Diagnostics Lab, Erasmus MC, Erasmus Medical Center
Classification: Uncertain significance. Review status: no assertion criteria provided. Collection method: clinical testing. Allele origin: germline. Affected: yes. Study: VKGL Data-share Consensus. Not counted in ClinVar's aggregate classification.

Diagnostic Laboratory, Department of Genetics, University Medical Center Groningen
Classification: Uncertain significance. Review status: no assertion criteria provided. Collection method: clinical testing. Allele origin: germline. Affected: yes. Study: VKGL Data-share Consensus. Not counted in ClinVar's aggregate classification.

Tuberous sclerosis database (TSC2)
No classification provided. Condition: TSC. Review status: no classification provided. Criteria: Tuberous Sclerosis Database Assertion Criteria 2015. Collection method: curation. Allele origin: germline. Affected: yes. Not counted in ClinVar's aggregate classification.

Literature cited by the submitters: PubMed 21520333 (cited by Labcorp Genetics (formerly Invitae), Labcorp); PubMed 17576681 (cited by Labcorp Genetics (formerly Invitae), Labcorp); PubMed 9536098 (cited by Labcorp Genetics (formerly Invitae), Labcorp).